The following is an entry in ClinVar:

NM_001257096.2(PAX1):c.1213G>C (p.Gly405Arg)

Gene: PAX1 (paired box 1; plus strand). Cytogenetic location: 20p11.22.
Variant type: single nucleotide variant.
Coding change: c.1213G>C on transcript NM_001257096.2 (MANE Select); coding-DNA position 1213, G replaced by C.
Protein change: p.Gly405Arg; replaces glycine 405 with arginine.
Molecular consequence: missense variant.
Genome position (GRCh38, 1-based): chr20:21,709,375, G>C. VCF-style: chr20-21709375-G-C. GRCh37 (hg19) VCF-style: chr20-21690013-G-C.
Other names: c.1213G>C, p.Gly405Arg (NM_006192.5); short protein forms G405R.
Identifiers: ClinVar variation 2123568 (VCV002123568.4), dbSNP rs1341048925, ClinGen allele CA408499583.
Genomic context (GRCh38, chr20:21,709,375, plus strand): 5'-GGCTACCTCGCCCCGGGCCCGCCGTGGCCGCCTGCGCAAGGTCCTCCTCTGGCGCCCCCC[G>C]GGGCCGGCGTAGCTGTGCATGGCGGGGAACTCGCGGCAGCAATGACCTTCAAGCATCCCA-3'
Protein context (NP_001244025.1, residues 395-415): PAQGPPLAPP[Gly405Arg]AGVAVHGGEL

ClinVar aggregate classification (germline): Uncertain significance (1 of 4 stars; one submission).

Submission:

Labcorp Genetics (formerly Invitae), Labcorp
Classification: Uncertain significance. Last evaluated: 2022-04-09. Review status: criteria provided, single submitter. Criteria: Invitae Variant Classification Sherloc (09022015). Collection method: clinical testing. Allele origin: germline.
Comment: This sequence change replaces glycine, which is neutral and non-polar, with arginine, which is basic and polar, at codon 405 of the PAX1 protein (p.Gly405Arg). In summary, the available evidence is currently insufficient to determine the role of this variant in disease. Therefore, it has been classified as a Variant of Uncertain Significance. Algorithms developed to predict the effect of missense changes on protein structure and function are either unavailable or do not agree on the potential impact of this missense change (SIFT: "Deleterious"; PolyPhen-2: "Probably Damaging"; Align-GVGD: "Class C0"). This variant has not been reported in the literature in individuals affected with PAX1-related conditions. This variant is not present in population databases (gnomAD no frequency).